The following is an entry in ClinVar:

ClinVar aggregate classification (germline): Uncertain significance (1 of 4 stars; one submission).

Submission:

Labcorp Genetics (formerly Invitae), Labcorp
Classification: Uncertain significance. Last evaluated: 2024-01-25. Review status: criteria provided, single submitter. Criteria: Invitae Variant Classification Sherloc (09022015). Collection method: clinical testing. Allele origin: germline.
Comment: This sequence change replaces leucine, which is neutral and non-polar, with isoleucine, which is neutral and non-polar, at codon 652 of the GUCY2C protein (p.Leu652Ile). This variant is not present in population databases (gnomAD no frequency). This variant has not been reported in the literature in individuals affected with GUCY2C-related conditions. Advanced modeling of protein sequence and biophysical properties (such as structural, functional, and spatial information, amino acid conservation, physicochemical variation, residue mobility, and thermodynamic stability) performed at Invitae indicates that this missense variant is not expected to disrupt GUCY2C protein function with a negative predictive value of 80%. In summary, the available evidence is currently insufficient to determine the role of this variant in disease. Therefore, it has been classified as a Variant of Uncertain Significance.

NM_004963.4(GUCY2C):c.1954C>A (p.Leu652Ile)

Gene: GUCY2C (guanylate cyclase 2C; minus strand). Cytogenetic location: 12p12.3.
Variant type: single nucleotide variant.
Coding change: c.1954C>A on transcript NM_004963.4 (MANE Select); coding-DNA position 1954, C replaced by A.
Protein change: p.Leu652Ile; replaces leucine 652 with isoleucine.
Molecular consequence: missense variant.
Genome position (GRCh38, 1-based): chr12:14,641,196, G>T on the plus strand (C>A on the coding strand, the complement: GUCY2C is on the minus strand). VCF-style: chr12-14641196-G-T. GRCh37 (hg19) VCF-style: chr12-14794130-G-T.
Other names: short protein forms L652I.
Identifiers: ClinVar variation 2710194 (VCV002710194.3), dbSNP rs2497681355, ClinGen allele CA383984170.